The following is an entry in ClinVar:

NM_006092.4(NOD1):c.-211+198G>A

Gene: NOD1 (nucleotide binding oligomerization domain containing 1; minus strand). Cytogenetic location: 7p14.3.
Variant type: single nucleotide variant.
Coding change: c.-211+198G>A on transcript NM_006092.4 (MANE Select); 198 bases into the intron after 211 bases upstream of the start codon, G replaced by A.
Molecular consequence: intron variant.
Genome position (GRCh38, 1-based): chr7:30,459,703, C>T on the plus strand (G>A on the coding strand, the complement: NOD1 is on the minus strand). VCF-style: chr7-30459703-C-T. GRCh37 (hg19) VCF-style: chr7-30499319-C-T.
Other names: c.-211+198G>A (NM_001354849.2).
Identifiers: ClinVar variation 103087 (VCV000103087.2), dbSNP rs199476261, ClinGen allele CA230100.

ClinVar aggregate classification (germline): not provided (0 of 4 stars; one submission).

Submission:

Human Evolutionary Genetics, Institut Pasteur
No classification provided. Review status: no classification provided. Collection method: not provided. Allele origin: germline.
ClinVar note: Converted during submission from untested to not provided.